The following is an entry in ClinVar:

NM_006721.4(ADK):c.772A>G (p.Ile258Val)

Gene: ADK (adenosine kinase; plus strand). Cytogenetic location: 10q22.2.
Variant type: single nucleotide variant.
Coding change: c.772A>G on transcript NM_006721.4 (MANE Select); coding-DNA position 772, A replaced by G.
Protein change: p.Ile258Val; replaces isoleucine 258 with valine.
Molecular consequence: missense variant. On other transcripts: intron variant (1).
Genome position (GRCh38, 1-based): chr10:74,600,388, A>G. VCF-style: chr10-74600388-A-G. GRCh37 (hg19) VCF-style: chr10-76360146-A-G.
Other names: c.721A>G, p.Ile241Val (NM_001123.4); c.667A>G, p.Ile223Val (NM_001202449.2); c.601A>G, p.Ile201Val (NM_001202450.2); c.550A>G, p.Ile184Val (NM_001369124.1); c.762+11071A>G (NM_001369123.1); short protein forms I223V, I241V, I184V, I201V, I258V.
Identifiers: ClinVar variation 1911335 (VCV001911335.4), dbSNP rs777313272, ClinGen allele CA5564073.

ClinVar aggregate classification (germline): Uncertain significance (1 of 4 stars; one submission).

Allele frequency attached by ClinVar (database versions not stated): gnomAD 0.00001; gnomAD exomes 0.00001; ExAC 0.00002.
gnomAD v4.1: 14 of 1,608,482 alleles (0.00087%); highest among the groups gnomAD compares: African/African-American, 0.0013%; no homozygotes.

Submission:

Labcorp Genetics (formerly Invitae), Labcorp
Classification: Uncertain significance. Last evaluated: 2022-08-06. Review status: criteria provided, single submitter. Criteria: Invitae Variant Classification Sherloc (09022015). Collection method: clinical testing. Allele origin: germline.
Comment: In summary, the available evidence is currently insufficient to determine the role of this variant in disease. Therefore, it has been classified as a Variant of Uncertain Significance. Algorithms developed to predict the effect of missense changes on protein structure and function (SIFT, PolyPhen-2, Align-GVGD) all suggest that this variant is likely to be tolerated. This variant has not been reported in the literature in individuals affected with ADK-related conditions. This variant is present in population databases (rs777313272, gnomAD 0.006%). This sequence change replaces isoleucine, which is neutral and non-polar, with valine, which is neutral and non-polar, at codon 241 of the ADK protein (p.Ile241Val).